The following is an entry in ClinVar:

ClinVar aggregate classification (germline): Uncertain significance (1 of 4 stars; one submission).

Submission:

GeneDx
Classification: Uncertain significance. Last evaluated: 2024-05-12. Review status: criteria provided, single submitter. Criteria: GeneDx Variant Classification Process June 2021. Collection method: clinical testing. Allele origin: germline. Affected: yes.
Comment: Not observed at significant frequency in large population cohorts (gnomAD); In silico analysis indicates that this missense variant does not alter protein structure/function; Has not been previously published as pathogenic or benign to our knowledge

NM_005909.5(MAP1B):c.6076G>A (p.Glu2026Lys)

Gene: MAP1B (microtubule associated protein 1B; plus strand). Cytogenetic location: 5q13.2.
Variant type: single nucleotide variant.
Coding change: c.6076G>A on transcript NM_005909.5 (MANE Select); coding-DNA position 6076, G replaced by A.
Protein change: p.Glu2026Lys; replaces glutamic acid 2026 with lysine.
Molecular consequence: missense variant.
Genome position (GRCh38, 1-based): chr5:72,199,431, G>A. VCF-style: chr5-72199431-G-A. GRCh37 (hg19) VCF-style: chr5-71495258-G-A.
Other names: c.5698G>A, p.Glu1900Lys (NM_001324255.2); short protein forms E1900K, E2026K.
Identifiers: ClinVar variation 3378329 (VCV003378329.1).